The following is an entry in ClinVar:

ClinVar aggregate classification (germline): Uncertain significance. Review status: criteria provided, multiple submitters, no conflicts (2 of 4 stars). 9 submissions from 9 submitters: Uncertain significance (8). 1 of the submissions does not count toward it. Last evaluated 2026-02-23.

Conditions:
Breast-ovarian cancer, familial, susceptibility to, 1 (BROVCA1). Also called: BRCA1 Hereditary Breast and Ovarian Cancer; OVARIAN CANCER, SUSCEPTIBILITY TO. Identifiers: Orphanet 145, MedGen C2676676, MONDO:0011450, OMIM 604370. Disease mechanism: loss of function.
Familial cancer of breast. Also called: BREAST CANCER, FAMILIAL; hereditary breast carcinoma; Hereditary breast cancer. Identifiers: Orphanet 227535, MedGen C0346153, MONDO:0016419, OMIM 114480. Disease mechanism: loss of function.
Hereditary cancer-predisposing syndrome. Also called: Tumor predisposition; Hereditary Cancer Syndrome; Neoplastic Syndromes, Hereditary; Hereditary neoplastic syndrome. Identifiers: Orphanet 140162, MedGen C0027672, MeSH D009386, MONDO:0015356.
Hereditary breast ovarian cancer syndrome. Also called: Breast and ovarian cancer; Hereditary breast and ovarian cancer; Hereditary breast and ovarian cancer syndrome; Hereditary breast and/or ovarian cancer syndrome; BRCA1- and BRCA2-Associated Hereditary Breast and Ovarian Cancer; Hereditary breast and ovarian cancer syndrome (HBOC). Identifiers: Orphanet 145, MedGen C0677776, MeSH D061325, MONDO:0003582. Disease mechanism: loss of function.
Malignant tumor of breast. Also called: Malignant breast neoplasm; Cancer breast. Identifiers: MedGen C0006142, MONDO:0007254. Disease mechanism: loss of function.

Allele frequency attached by ClinVar (database versions not stated): gnomAD 0.00001.
gnomAD v4.1: 1 of 1,613,392 alleles (0.000062%); highest among the groups gnomAD compares: Admixed American, 0.0017%; no homozygotes.

Submissions (9):

Ambry Genetics
Classification: Uncertain significance for Hereditary cancer-predisposing syndrome. Last evaluated: 2026-02-23. Review status: criteria provided, single submitter. Criteria: Ambry Variant Classification Scheme 2023. Collection method: clinical testing. Allele origin: germline.

Labcorp Genetics (formerly Invitae), Labcorp
Classification: Uncertain significance for Hereditary breast ovarian cancer syndrome. Last evaluated: 2025-12-05. Review status: criteria provided, single submitter. Criteria: Invitae Variant Classification Sherloc (09022015). Collection method: clinical testing. Allele origin: germline.
Comment: This sequence change replaces glutamine, which is neutral and polar, with histidine, which is basic and polar, at codon 155 of the BRCA1 protein (p.Gln155His). This variant is not present in population databases (gnomAD no frequency). This variant has not been reported in the literature in individuals affected with BRCA1-related conditions. ClinVar contains an entry for this variant (Variation ID: 232297). Invitae Evidence Modeling of protein sequence and biophysical properties (such as structural, functional, and spatial information, amino acid conservation, physicochemical variation, residue mobility, and thermodynamic stability) indicates that this missense variant is not expected to disrupt BRCA1 protein function with a negative predictive value of 80%. In summary, the available evidence is currently insufficient to determine the role of this variant in disease. Therefore, it has been classified as a Variant of Uncertain Significance.

Quest Diagnostics Nichols Institute San Juan Capistrano
Classification: Uncertain significance. Last evaluated: 2025-06-06. Review status: criteria provided, single submitter. Criteria: Quest Diagnostics criteria. Collection method: clinical testing. Allele origin: unknown.
Comment: The BRCA1 c.465A>T (p.Gln155His) variant has been reported in the published literature as likely benign in an individual with unspecified cancer (PMID: 39402389 (2024)). The frequency of this variant in the general population (Genome Aggregation Database) is uninformative in the assessment of its pathogenicity. Analysis of this variant using bioinformatics tools for the prediction of the effect of amino acid changes on protein structure and function yielded predictions that this variant is benign. Based on the available information, we are unable to determine the clinical significance of this variant.

GeneDx
Classification: Uncertain significance. Last evaluated: 2024-12-31. Review status: criteria provided, single submitter. Criteria: GeneDx Variant Classification Process June 2021. Collection method: clinical testing. Allele origin: germline. Affected: yes.
Comment: Identified in individuals referred for multi-gene panel testing with personal or family history of cancer (PMID: 31853058); In silico analysis supports that this missense variant has a deleterious effect on protein structure/function; Not observed at significant frequency in large population cohorts (gnomAD); Also known as 584A>T; This variant is associated with the following publications: (PMID: 33937409, 32377563, 20215511, 29884841, 33875564, 31853058)

All of Us Research Program, National Institutes of Health
Classification: Uncertain significance for Breast-ovarian cancer, familial, susceptibility to, 1. Last evaluated: 2023-09-17. Review status: criteria provided, single submitter. Criteria: ACMG Guidelines, 2015. Collection method: clinical testing. Allele origin: germline. Inheritance: Autosomal dominant inheritance. Observed: 3 variant alleles, 3 heterozygotes.
Comment: This missense variant replaces glutamine with histidine at codon 155 of the BRCA1 protein. Computational prediction is inconclusive regarding the impact of this variant on protein structure and function (internally defined REVEL score threshold 0.5 < inconclusive < 0.7, PMID: 27666373). To our knowledge, functional studies have not been reported for this variant. This variant has not been reported in individuals affected with hereditary cancer in the literature. This variant has not been identified in the general population by the Genome Aggregation Database (gnomAD). The available evidence is insufficient to determine the role of this variant in disease conclusively. Therefore, this variant is classified as a Variant of Uncertain Significance.

This study involves interpretation of variants in research participants for the purpose of population health screening. Participant phenotype was not available at the time of variant classification. Additional details can be found in publication PMID: 35346344, PMCID: PMC8962531

Color Diagnostics, LLC DBA Color Health
Classification: Uncertain significance for Hereditary cancer-predisposing syndrome. Last evaluated: 2023-01-04. Review status: criteria provided, single submitter. Criteria: ACMG Guidelines, 2015. Collection method: clinical testing. Allele origin: germline.
Comment: This missense variant replaces glutamine with histidine at codon 155 of the BRCA1 protein. Computational prediction is inconclusive regarding the impact of this variant on protein structure and function (internally defined REVEL score threshold 0.5 < inconclusive < 0.7, PMID: 27666373). To our knowledge, functional studies have not been reported for this variant. This variant has not been reported in individuals affected with hereditary cancer in the literature. This variant has not been identified in the general population by the Genome Aggregation Database (gnomAD). The available evidence is insufficient to determine the role of this variant in disease conclusively. Therefore, this variant is classified as a Variant of Uncertain Significance.

Women's Health and Genetics/Laboratory Corporation of America, LabCorp
Classification: Uncertain significance. Last evaluated: 2021-10-28. Review status: criteria provided, single submitter. Criteria: LabCorp Variant Classification Summary - May 2015. Collection method: clinical testing. Allele origin: germline.

Genetics and Molecular Pathology, SA Pathology
Classification: Uncertain significance for Familial cancer of breast. Last evaluated: 2020-06-10. Review status: criteria provided, single submitter. Criteria: ACMG Guidelines, 2015. Collection method: clinical testing. Allele origin: germline. Affected: yes.

Department of Pathology and Laboratory Medicine, Sinai Health System
Classification: Uncertain significance for Malignant tumor of breast. Review status: no assertion criteria provided. Collection method: clinical testing. Allele origin: unknown. Affected: yes. Study: The Canadian Open Genetics Repository (COGR). Not counted in ClinVar's aggregate classification.
Comment: The BRCA1 p.Gln155His variant was not identified in the literature nor was it identified in the dbSNP, Clinvitae database, Fanconi Anemia Mutation Database (LOVD), LOVD-IARC database, ARUP Laboratories BRCA Mutations Database, COSMIC, GeneInsight COGR database, the BIC database, 1000 Genomes Project, NHLBI GO Exome Sequencing Project, and Exome Aggregation Consortium database (March 14, 2016.) The variant was identified in the ClinVar database (classification uncertain significance by Ambry Genetics) and in the BRCA SHARE-UMD database 1x classified as unknown. The p.Gln155 residue is not conserved in mammals and four out of five computational analyses (PolyPhen-2, SIFT, AlignGVGD, BLOSUM, MutationTaster) do not suggest a high likelihood of impact to the protein; however, this information is not predictive enough to rule out pathogenicity. The variant occurs outside of the splicing consensus sequence and in silico or computational prediction software programs (SpliceSiteFinder, MaxEntScan, NNSPLICE, GeneSplicer, HumanSpliceFinder) do not predict a difference in splicing. In summary, based on the above information, the clinical significance of this variant cannot be determined with certainty at this time. This variant is classified as a variant of uncertain significance.

Literature cited by the submitters: PubMed 31911673 (cited by Quest Diagnostics Nichols Institute San Juan Capistrano); PubMed 39402389 (cited by Quest Diagnostics Nichols Institute San Juan Capistrano); PubMed 31853058 (cited by Quest Diagnostics Nichols Institute San Juan Capistrano); PubMed 33937409 (cited by Quest Diagnostics Nichols Institute San Juan Capistrano); PubMed 33875564 (cited by Quest Diagnostics Nichols Institute San Juan Capistrano).

NM_007294.4(BRCA1):c.465A>T (p.Gln155His)

Gene: BRCA1 (BRCA1 DNA repair associated; minus strand). Cytogenetic location: 17q21.31.
Variant type: single nucleotide variant.
Coding change: c.465A>T on transcript NM_007294.4 (MANE Select); coding-DNA position 465, A replaced by T.
Protein change: p.Gln155His; replaces glutamine 155 with histidine.
Molecular consequence: missense variant. On other transcripts: non-coding transcript variant (1).
Genome position (GRCh38, 1-based): chr17:43,099,857, T>A on the plus strand (A>T on the coding strand, the complement: BRCA1 is on the minus strand). VCF-style: chr17-43099857-T-A. GRCh37 (hg19) VCF-style: chr17-41251874-T-A.
Other names: c.384A>T, p.Gln128His (NM_001407874.1, NM_001407875.1, NM_001408413.1 and 6 more transcripts); c.255A>T, p.Gln85His (NM_001407879.1, NM_001407881.1, NM_001407882.1 and 37 more transcripts); c.252A>T, p.Gln84His (NM_001407894.1, NM_001407895.1, NM_001407896.1 and 18 more transcripts); c.465A>T, p.Gln155His (NM_001407919.1, NM_001407937.1, NM_001407938.1 and 97 more transcripts); c.324A>T, p.Gln108His (NM_001407920.1, NM_001407921.1, NM_001407922.1 and 61 more transcripts); c.321A>T, p.Gln107His (NM_001407930.1, NM_001407931.1, NM_001407932.1 and 35 more transcripts); c.462A>T, p.Gln154His (NM_001407940.1, NM_001407941.1, NM_001407972.1 and 65 more transcripts); c.84A>T, p.Gln28His (NM_001407959.1, NM_001407960.1, NM_001407963.1 and 3 more transcripts); and 4 more; short protein forms Q155H, Q108H, Q107H, Q110H, Q128H, Q28H, Q84H, Q27H.
Identifiers: ClinVar variation 232297 (VCV000232297.35), dbSNP rs864622260, ClinGen allele CA10580696.